The following is an entry in ClinVar:

ClinVar aggregate classification (germline): Uncertain significance (1 of 4 stars; one submission).

Conditions:
Osteogenesis imperfecta type I (OI1). Also called: Lobstein disease; OI, TYPE I; OSTEOGENESIS IMPERFECTA TARDA; OSTEOGENESIS IMPERFECTA WITH BLUE SCLERAE; Osteogenesis imperfecta type 1; Lobstein's Disease. Identifiers: Orphanet 216796, Orphanet 666, MedGen C0023931, MONDO:0008146, OMIM 166200. Disease mechanism: loss of function.
Ehlers-Danlos syndrome, classic type, 1 (EDSCL1). Also called: EDS I; EHLERS-DANLOS SYNDROME, GRAVIS TYPE; EHLERS-DANLOS SYNDROME, SEVERE CLASSIC TYPE; Ehlers-Danlos syndrome, type 1; Ehlers-Danlos Syndrome, Classic Type, COL5A1-Related. Identifiers: MedGen C0268335, MONDO:0019567, OMIM 130000.

Submission:

Labcorp Genetics (formerly Invitae), Labcorp
Classification: Uncertain significance for Osteogenesis imperfecta type I; Ehlers-Danlos syndrome, classic type, 1. Last evaluated: 2023-09-20. Review status: criteria provided, single submitter. Criteria: Invitae Variant Classification Sherloc (09022015). Collection method: clinical testing. Allele origin: germline.
Comment: In summary, the available evidence is currently insufficient to determine the role of this variant in disease. Therefore, it has been classified as a Variant of Uncertain Significance. Advanced modeling of protein sequence and biophysical properties (such as structural, functional, and spatial information, amino acid conservation, physicochemical variation, residue mobility, and thermodynamic stability) performed at Invitae indicates that this missense variant is not expected to disrupt COL1A2 protein function. This variant has not been reported in the literature in individuals affected with COL1A2-related conditions. This variant is not present in population databases (gnomAD no frequency). This sequence change replaces alanine, which is neutral and non-polar, with serine, which is neutral and polar, at codon 705 of the COL1A2 protein (p.Ala705Ser).

NM_000089.4(COL1A2):c.2113G>T (p.Ala705Ser)

Gene: COL1A2 (collagen type I alpha 2 chain; plus strand). Cytogenetic location: 7q21.3.
Variant type: single nucleotide variant.
Coding change: c.2113G>T on transcript NM_000089.4 (MANE Select); coding-DNA position 2113, G replaced by T.
Protein change: p.Ala705Ser; replaces alanine 705 with serine.
Molecular consequence: missense variant.
Genome position (GRCh38, 1-based): chr7:94,420,266, G>T. VCF-style: chr7-94420266-G-T. GRCh37 (hg19) VCF-style: chr7-94049578-G-T.
Other names: short protein forms A705S.
Identifiers: ClinVar variation 2938578 (VCV002938578.3), dbSNP rs2484725221, ClinGen allele CA368223269.
Genomic context (GRCh38, chr7:94,420,266, plus strand): 5'-ACAGATTCATCTTTGGTCCCATTATAGGGCGAAGCTGGGGCTGCTGGTCCTGCTGGTCCT[G>T]CTGGTCCTCGGGGAAGCCCTGTAAGTAAGAACCTGGGTCATTTTGTATACTCACACCTCA-3'
Protein context (NP_000080.2, residues 695-715): EAGAAGPAGP[Ala705Ser]GPRGSPGERG